The following is an entry in ClinVar:

NM_014043.4(CHMP2B):c.-102C>T

Genes: CHMP2B (charged multivesicular body protein 2B; plus strand), LOC129937086 (ATAC-STARR-seq lymphoblastoid active region 20114; plus strand). Cytogenetic location: 3p11.2.
Variant type: single nucleotide variant.
Coding change: c.-102C>T on transcript NM_014043.4 (MANE Select); 102 bases upstream of the start codon, C replaced by T.
Molecular consequence: 5 prime UTR variant.
Genome position (GRCh38, 1-based): chr3:87,227,421, C>T. VCF-style: chr3-87227421-C-T. GRCh37 (hg19) VCF-style: chr3-87276571-C-T.
Other names: c.-133C>T (NM_001244644.2).
Identifiers: ClinVar variation 346802 (VCV000346802.9), dbSNP rs36098294, ClinGen allele CA10616735.

ClinVar aggregate classification (germline): Benign/Likely benign. Review status: criteria provided, multiple submitters, no conflicts (2 of 4 stars). 3 submissions from 3 submitters: Benign (1); Likely benign (2). Last evaluated 2018-08-10.

Conditions:
Frontotemporal dementia and/or amyotrophic lateral sclerosis 7 (FTDALS7). Also called: CHMP2B-Related Frontotemporal Dementia-Amyotrophic Lateral Sclerosis; CHMP2B-related frontotemporal dementia; AMYOTROPHIC LATERAL SCLEROSIS, CHMP2B-RELATED; Amyotrophic lateral sclerosis 17. Identifiers: Orphanet 275864, Orphanet 282, Orphanet 803, MedGen C1833296, MONDO:0010936, OMIM 600795.

Allele frequency attached by ClinVar (database versions not stated): 1000 Genomes Project 30x 0.00468; 1000 Genomes Project 0.00479; TOPMed 0.00803; gnomAD 0.01237.

Submissions (3):

GeneDx
Classification: Likely benign. Last evaluated: 2018-08-10. Review status: criteria provided, single submitter. Criteria: GeneDx Variant Classification Process June 2021. Collection method: clinical testing. Allele origin: germline. Affected: yes.

Illumina Laboratory Services, Illumina
Classification: Benign for Frontotemporal dementia and/or amyotrophic lateral sclerosis 7. Last evaluated: 2018-01-12. Review status: criteria provided, single submitter. Criteria: ICSL Variant Classification Criteria 13 December 2019. Collection method: clinical testing. Allele origin: germline.
Comment: This variant was observed in the ICSL laboratory as part of a predisposition screen in an ostensibly healthy population. It had not been previously curated by ICSL or reported in the Human Gene Mutation Database (HGMD: prior to June 1st, 2018), and was therefore a candidate for classification through an automated scoring system. Utilizing variant allele frequency, disease prevalence and penetrance estimates, and inheritance mode, an automated score was calculated to assess if this variant is too frequent to cause the disease. Based on the score and internal cut-off values, a variant classified as benign is not then subjected to further curation. The score for this variant resulted in a classification of benign for this disease.

Breakthrough Genomics
Classification: Likely benign. Review status: criteria provided, single submitter. Criteria: ACMG Guidelines, 2015. Collection method: not provided. Allele origin: germline. Inheritance: Autosomal dominant inheritance. Affected: yes.